The following is an entry in ClinVar:

ClinVar aggregate classification (germline): Pathogenic (1 of 4 stars; one submission).

Submission:

GeneDx
Classification: Pathogenic. Last evaluated: 2018-04-23. Review status: criteria provided, single submitter. Criteria: GeneDx Variant Classification (06012015). Collection method: clinical testing. Allele origin: germline. Affected: yes.
Comment: The c.313delG variant has not been published as a pathogenic variant, nor has it been reported as a benign variant to our knowledge. The variant causes a frameshift starting with codon Aspartic acid 105, changes this amino acid to an Isoleucine residue and creates a premature Stop codon at position 31 of the new reading frame, denoted p.Asp105IlefsX31. This variant is predicted to cause loss of normal protein function either through protein truncation or nonsense-mediated mRNA decay. The variant is not observed in large population cohorts (Lek et al., 2016). In summary, we consider this variant to be pathogenic.

NM_000127.3(EXT1):c.313del (p.Asp105fs)

Gene: EXT1 (exostosin glycosyltransferase 1; minus strand). Cytogenetic location: 8q24.11.
Variant type: Deletion.
Coding change: c.313del on transcript NM_000127.3 (MANE Select); coding-DNA position 313, one base deleted (G; older notation c.313delG).
Protein change: p.Asp105fs; shifts the reading frame from aspartic acid 105.
Molecular consequence: frameshift variant.
Genome position (GRCh38, 1-based): chr8:118,110,734, C deleted on the plus strand (G on the coding strand, the reverse complement: EXT1 is on the minus strand). VCF-style (leftmost placement, unchanged base first): chr8-118110733-TC-T. GRCh37 (hg19) VCF-style: chr8-119122972-TC-T.
Other names: c.313delG (NM_000127.2); short protein forms D105fs.
Identifiers: ClinVar variation 524133 (VCV000524133.2), dbSNP rs1554601550, ClinGen allele CA658797143.
Genomic context (GRCh38, chr8:118,110,733, plus strand): 5'-TCCCCTTTTTGCTGTGGGTATACGTAGACTTTGAAGCCGTTTTTCTTGCAAAGGGTGAAA[TC>T]GAAGCAGGACTCCATGCGGCACTTCTTGCCTTTGTAGATGCTGGAGTTGGCATCTCGCTT-3'